The following is an entry in ClinVar:

ClinVar aggregate classification (germline): Uncertain significance (1 of 4 stars; one submission).

Conditions:
Hereditary sensory neuropathy-deafness-dementia syndrome. Also called: HSN IE; Hereditary sensory neuropathy type IE; NEUROPATHY, HEREDITARY SENSORY, WITH HEARING LOSS AND DEMENTIA; Hereditary Sensory and Autonomic Neuropathy Type 1E (HSAN1E). Identifiers: Orphanet 456318, MedGen C3279885, MONDO:0013584, OMIM 614116.

Submission:

Labcorp Genetics (formerly Invitae), Labcorp
Classification: Uncertain significance for Hereditary sensory neuropathy-deafness-dementia syndrome. Last evaluated: 2024-02-15. Review status: criteria provided, single submitter. Criteria: Invitae Variant Classification Sherloc (09022015). Collection method: clinical testing. Allele origin: germline.
Comment: This sequence change replaces cysteine, which is neutral and slightly polar, with tyrosine, which is neutral and polar, at codon 372 of the DNMT1 protein (p.Cys372Tyr). This variant is not present in population databases (gnomAD no frequency). This variant has not been reported in the literature in individuals affected with DNMT1-related conditions. Advanced modeling of protein sequence and biophysical properties (such as structural, functional, and spatial information, amino acid conservation, physicochemical variation, residue mobility, and thermodynamic stability) performed at Invitae indicates that this missense variant is expected to disrupt DNMT1 protein function with a positive predictive value of 80%. In summary, the available evidence is currently insufficient to determine the role of this variant in disease. Therefore, it has been classified as a Variant of Uncertain Significance.

NM_001130823.3(DNMT1):c.1115G>A (p.Cys372Tyr)

Gene: DNMT1 (DNA methyltransferase 1; minus strand). Cytogenetic location: 19p13.2.
Variant type: single nucleotide variant.
Coding change: c.1115G>A on transcript NM_001130823.3 (MANE Select); coding-DNA position 1115, G replaced by A.
Protein change: p.Cys372Tyr; replaces cysteine 372 with tyrosine.
Molecular consequence: missense variant.
Genome position (GRCh38, 1-based): chr19:10,159,897, C>T on the plus strand (G>A on the coding strand, the complement: DNMT1 is on the minus strand). VCF-style: chr19-10159897-C-T. GRCh37 (hg19) VCF-style: chr19-10270573-C-T.
Other names: c.1067G>A, p.Cys356Tyr (NM_001318730.2, NM_001379.4); c.752G>A, p.Cys251Tyr (NM_001318731.2); short protein forms C356Y, C251Y, C372Y.
Identifiers: ClinVar variation 2701262 (VCV002701262.3), dbSNP rs2513836626, ClinGen allele CA403939751.